The following is an entry in ClinVar:

NM_052947.4(ALPK2):c.2944G>T (p.Val982Leu)

Gene: ALPK2 (alpha kinase 2; minus strand). Cytogenetic location: 18q21.31.
Variant type: single nucleotide variant.
Coding change: c.2944G>T on transcript NM_052947.4 (MANE Select); coding-DNA position 2944, G replaced by T.
Protein change: p.Val982Leu; replaces valine 982 with leucine.
Molecular consequence: missense variant.
Genome position (GRCh38, 1-based): chr18:58,537,243, C>A on the plus strand (G>T on the coding strand, the complement: ALPK2 is on the minus strand). VCF-style: chr18-58537243-C-A. GRCh37 (hg19) VCF-style: chr18-56204475-C-A.
Other names: short protein forms V982L.
Identifiers: ClinVar variation 1797957 (VCV001797957.2), dbSNP rs1222533885, ClinGen allele CA402569440.

ClinVar aggregate classification (germline): Uncertain significance (1 of 4 stars; one submission).

Allele frequency attached by ClinVar (database versions not stated): gnomAD exomes below 0.00001; gnomAD 0.00001; TOPMed 0.00002.
gnomAD v4.1: 4 of 1,614,070 alleles (0.00025%); highest among the groups gnomAD compares: African/African-American, 0.004%; no homozygotes.

Submission:

Ambry Genetics
Classification: Uncertain significance. Last evaluated: 2024-03-04. Review status: criteria provided, single submitter. Criteria: Ambry Variant Classification Scheme 2023. Collection method: clinical testing. Allele origin: germline.
Comment: The p.V982L variant (also known as c.2944G>T), located in coding exon 4 of the ALPK2 gene, results from a G to T substitution at nucleotide position 2944. The valine at codon 982 is replaced by leucine, an amino acid with highly similar properties. This amino acid position is conserved. In addition, this alteration is predicted to be tolerated by in silico analysis. Since supporting evidence is limited at this time, the clinical significance of this alteration remains unclear.